The following is an entry in ClinVar:

ClinVar aggregate classification (germline): Pathogenic (1 of 4 stars; one submission).

Conditions:
Familial cancer of breast. Also called: BREAST CANCER, FAMILIAL; Hereditary breast cancer; hereditary breast carcinoma. Identifiers: Orphanet 227535, MedGen C0346153, MONDO:0016419, OMIM 114480. Disease mechanism: loss of function.

Submission:

Myriad Genetics, Inc.
Classification: Pathogenic for Familial cancer of breast. Last evaluated: 2024-01-11. Review status: criteria provided, single submitter. Criteria: Myriad Autosomal Dominant, Autosomal Recessive and X-Linked Classification Criteria (2023). Collection method: clinical testing. Allele origin: unknown.
Comment: This variant is considered pathogenic. This variant creates a frameshift predicted to result in premature protein truncation.

NM_000051.4(ATM):c.777del (p.Thr261fs)

Gene: ATM (ATM serine/threonine kinase; plus strand). Cytogenetic location: 11q22.3.
Variant type: Deletion.
Coding change: c.777del on transcript NM_000051.4 (MANE Select); coding-DNA position 777, one base deleted (T; older notation c.777delT).
Protein change: p.Thr261fs; shifts the reading frame from threonine 261.
Molecular consequence: frameshift variant.
Genome position (GRCh38, 1-based): chr11:108,244,902, T deleted; the last of 2 consecutive T bases (chr11:108,244,901-108,244,902); deleting either gives the same sequence. VCF-style (leftmost placement, unchanged base first): chr11-108244900-CT-C. GRCh37 (hg19) VCF-style: chr11-108115627-CT-C.
Other names: c.777del, p.Thr261fs (NM_001351834.2); short protein forms T261fs.
Identifiers: ClinVar variation 3148037 (VCV003148037.1), dbSNP rs2497150583, ClinGen allele CA2825001758.